The following is an entry in ClinVar:

NM_054012.4(ASS1):c.323G>T (p.Arg108Leu)

Gene: ASS1 (argininosuccinate synthase 1; plus strand). Cytogenetic location: 9q34.11.
Variant type: single nucleotide variant.
Coding change: c.323G>T on transcript NM_054012.4 (MANE Select); coding-DNA position 323, G replaced by T.
Protein change: p.Arg108Leu; replaces arginine 108 with leucine.
Molecular consequence: missense variant.
Genome position (GRCh38, 1-based): chr9:130,458,549, G>T. VCF-style: chr9-130458549-G-T. GRCh37 (hg19) VCF-style: chr9-133333936-G-T.
Other names: c.323G>T, p.Arg108Leu (NM_000050.4); short protein forms R108L.
Identifiers: ClinVar variation 6334 (VCV000006334.53), dbSNP rs35269064, ClinGen allele CA253840.

ClinVar aggregate classification (germline): Conflicting classifications of pathogenicity. Review status: criteria provided, conflicting classifications (1 of 4 stars). 12 submissions from 12 submitters: Uncertain significance (2); Benign (2); Likely benign (3). 5 of the submissions do not count toward it. Last evaluated 2026-08-01.

Conditions:
Citrullinemia. Identifiers: Orphanet 187, MedGen C0175683, MONDO:0015991.
Citrullinemia type I (CTNL1). Also called: ASS DEFICIENCY; argininosuccinate synthetase deficiency. Identifiers: Orphanet 247525, MedGen C4721769, MONDO:0008988, OMIM 215700.

Allele frequency attached by ClinVar (database versions not stated): 1000 Genomes Project 0.00499; 1000 Genomes Project 30x 0.00500.
gnomAD v4.1: 3,336 of 1,613,360 alleles (0.21%); highest among the groups gnomAD compares: Middle Eastern, 1.6%; 23 homozygotes.

Submissions (12):

CeGaT Center for Human Genetics Tuebingen
Classification: Benign. Last evaluated: 2026-08-01. Review status: criteria provided, single submitter. Criteria: CeGaT Center For Human Genetics Tuebingen Variant Classification Criteria Version 2. Collection method: clinical testing. Allele origin: germline. Affected: yes. Observed: 6 variant alleles.
Comment: ASS1: BS1, BS2

Labcorp Genetics (formerly Invitae), Labcorp
Classification: Benign for Citrullinemia. Last evaluated: 2026-01-31. Review status: criteria provided, single submitter. Criteria: Invitae Variant Classification Sherloc (09022015). Collection method: clinical testing. Allele origin: germline.

Women's Health and Genetics/Laboratory Corporation of America, LabCorp
Classification: Likely benign. Last evaluated: 2022-02-18. Review status: criteria provided, single submitter. Criteria: LabCorp Variant Classification Summary - May 2015. Collection method: clinical testing. Allele origin: germline.
Comment: Variant summary: ASS1 c.323G>T (p.Arg108Leu) results in a non-conservative amino acid change in the encoded protein sequence. Three of five in-silico tools predict a damaging effect of the variant on protein function. The variant allele was found at a frequency of 0.0038 in 394424 control chromosomes, including 11 homozygotes (gnomAD v2.1 and v3.1 non-v2 datasets). The variant was reported predominantly within the African or African-American subpopulation at a frequency of 0.014 (including 7 homozygotes), the observed variant frequency within African or African-American control individuals in the gnomAD database is approximately 3.4-fold of the estimated maximal expected allele frequency for a pathogenic variant in ASS1 causing Citrullinemia Type I phenotype (0.0041), strongly suggesting that the variant is a benign polymorphism. Though the variant, c.323G>T, has been reported in the literature in individuals affected with Citrullinemia Type I (Vilaseca_2001, Haberle_2002, Tabor_2014,), these reports do not provide unequivocal conclusions about association of the variant with Citrullinemia Type I. To our knowledge, no experimental evidence demonstrating an impact on protein function has been reported. Seven other submitters have provided clinical-significance assessments for this variant in ClinVar after 2014 without evidence for independent evaluation, and classified the variant as VUS (n=2), likely benign (n=3) / benign (n=2). Based on the evidence outlined above, the variant was classified as benign.

Genome-Nilou Lab
Classification: Uncertain significance for Citrullinemia type I. Last evaluated: 2021-05-18. Review status: criteria provided, single submitter. Criteria: ACMG Guidelines, 2015. Collection method: clinical testing. Allele origin: germline. Affected: no.

Mendelics
Classification: Likely benign for Citrullinemia type I. Last evaluated: 2019-05-28. Review status: criteria provided, single submitter. Criteria: Mendelics Assertion Criteria 2017. Collection method: clinical testing. Allele origin: unknown.

GeneDx
Classification: Likely benign. Last evaluated: 2018-02-14. Review status: criteria provided, single submitter. Criteria: GeneDx Variant Classification (06012015). Collection method: clinical testing. Allele origin: germline. Affected: yes.
Comment: This variant is considered likely benign or benign based on one or more of the following criteria: it is a conservative change, it occurs at a poorly conserved position in the protein, it is predicted to be benign by multiple in silico algorithms, and/or has population frequency not consistent with disease.

Illumina Laboratory Services, Illumina
Classification: Uncertain significance for Citrullinemia type I. Last evaluated: 2017-04-27. Review status: criteria provided, single submitter. Criteria: ICSL Variant Classification Criteria 13 December 2019. Collection method: clinical testing. Allele origin: germline.
Comment: This variant was observed as part of a predisposition screen in an ostensibly healthy population. A literature search was performed for the gene, cDNA change, and amino acid change (where applicable). Publications were found based on this search. However, the evidence from the literature, in combination with allele frequency data from public databases where available, was not sufficient to rule this variant in or out of causing disease. Therefore, this variant is classified as a variant of unknown significance.

Natera, Inc.
Classification: Benign for Citrullinemia. Last evaluated: 2019-08-02. Review status: no assertion criteria provided. Collection method: clinical testing. Allele origin: germline. Not counted in ClinVar's aggregate classification.

Counsyl
Classification: Likely benign for Citrullinemia type I. Last evaluated: 2017-05-09. Review status: no assertion criteria provided. Collection method: clinical testing. Allele origin: unknown. Not counted in ClinVar's aggregate classification.

OMIM
Classification: Pathogenic for CITRULLINEMIA, CLASSIC. Last evaluated: 2002-04-01. Review status: no assertion criteria provided. Collection method: literature only. Allele origin: germline. Not counted in ClinVar's aggregate classification.

Clinical Genetics DNA and cytogenetics Diagnostics Lab, Erasmus MC, Erasmus Medical Center
Classification: Benign. Review status: no assertion criteria provided. Collection method: clinical testing. Allele origin: germline. Affected: yes. Study: VKGL Data-share Consensus. Not counted in ClinVar's aggregate classification.

Clinical Genetics, Academic Medical Center
Classification: Likely benign. Review status: no assertion criteria provided. Collection method: clinical testing. Allele origin: germline. Affected: yes. Study: VKGL Data-share Consensus. Not counted in ClinVar's aggregate classification.

Literature cited by the submitters: PubMed 21228398 (cited by Women's Health and Genetics/Laboratory Corporation of America, LabCorp); PubMed 25087612 (cited by Women's Health and Genetics/Laboratory Corporation of America, LabCorp); PubMed 11941481 (cited by 3 submitters); PubMed 11708871 (cited by Women's Health and Genetics/Laboratory Corporation of America, LabCorp and Illumina Laboratory Services, Illumina).